The following is an entry in ClinVar:

ClinVar aggregate classification (germline): Uncertain significance. Review status: criteria provided, multiple submitters, no conflicts (2 of 4 stars). 2 submissions from 2 submitters: Uncertain significance (2). Last evaluated 2026-03-03.

Conditions:
Combined oxidative phosphorylation defect type 23. Also called: Combined oxidative phosphorylation deficiency 23. Identifiers: Orphanet 444013, MedGen C5567743, MONDO:0014525, OMIM 616198.

Allele frequency attached by ClinVar (database versions not stated): TOPMed below 0.00001; gnomAD 0.00001.
gnomAD v4.1: 2 of 1,596,042 alleles (0.00013%); highest among the groups gnomAD compares: African/African-American, 0.0013%; no homozygotes.

Submissions (2):

GeneDx
Classification: Uncertain significance. Last evaluated: 2026-03-03. Review status: criteria provided, single submitter. Criteria: GeneDx Variant Classification Process June 2021. Collection method: clinical testing. Allele origin: germline.
Comment: Not observed at significant frequency in large population cohorts (gnomAD); In silico analysis suggests that this missense variant does not alter protein structure/function; Has not been previously published as pathogenic or benign to our knowledge

Baylor Genetics
Classification: Uncertain significance for Combined oxidative phosphorylation defect type 23. Last evaluated: 2019-07-03. Review status: criteria provided, single submitter. Criteria: ACMG Guidelines, 2015. Collection method: clinical testing. Allele origin: unknown. Affected: yes.
Comment: This variant was determined to be of uncertain significance according to ACMG Guidelines, 2015 [PMID:25741868].

NM_032620.4(GTPBP3):c.188G>A (p.Arg63Gln)

Gene: GTPBP3 (GTP binding protein 3, mitochondrial; plus strand). Cytogenetic location: 19p13.11.
Variant type: single nucleotide variant.
Coding change: c.188G>A on transcript NM_032620.4 (MANE Select); coding-DNA position 188, G replaced by A.
Protein change: p.Arg63Gln; replaces arginine 63 with glutamine.
Molecular consequence: missense variant.
Genome position (GRCh38, 1-based): chr19:17,338,142, G>A. VCF-style: chr19-17338142-G-A. GRCh37 (hg19) VCF-style: chr19-17448951-G-A.
Other names: c.188G>A, p.Arg63Gln (NM_001128855.3, NM_133644.4); c.254G>A, p.Arg85Gln (NM_001195422.1); short protein forms R85Q, R63Q.
Identifiers: ClinVar variation 1031119 (VCV001031119.2), dbSNP rs1404625905, ClinGen allele CA404731863.